The following is an entry in ClinVar:

NM_016222.4(DDX41):c.1801A>G (p.Met601Val)

Gene: DDX41 (DEAD-box helicase 41; minus strand). Cytogenetic location: 5q35.3.
Variant type: single nucleotide variant.
Coding change: c.1801A>G on transcript NM_016222.4 (MANE Select); coding-DNA position 1801, A replaced by G.
Protein change: p.Met601Val; replaces methionine 601 with valine.
Molecular consequence: missense variant.
Genome position (GRCh38, 1-based): chr5:177,511,859, T>C on the plus strand (A>G on the coding strand, the complement: DDX41 is on the minus strand). VCF-style: chr5-177511859-T-C. GRCh37 (hg19) VCF-style: chr5-176938860-T-C.
Other names: c.1423A>G, p.Met475Val (NM_001321732.2, NM_001321830.2); short protein forms M475V, M601V.
Identifiers: ClinVar variation 4617176 (VCV004617176.1).

ClinVar aggregate classification (germline): Uncertain significance (1 of 4 stars; one submission).

Conditions:
Inborn genetic diseases. Identifiers: MedGen C0950123, MeSH D030342.

gnomAD v4.1: 4 of 1,614,136 alleles (0.00025%); highest among the groups gnomAD compares: Non-Finnish European, 0.00034%; no homozygotes.

Submission:

Ambry Genetics
Classification: Uncertain significance for Inborn genetic diseases. Last evaluated: 2025-11-13. Review status: criteria provided, single submitter. Criteria: Ambry Variant Classification Scheme 2023. Collection method: clinical testing. Allele origin: germline.
Comment: The p.M601V variant (also known as c.1801A>G), located in coding exon 17 of the DDX41 gene, results from an A to G substitution at nucleotide position 1801. The methionine at codon 601 is replaced by valine, an amino acid with highly similar properties. This amino acid position is highly conserved in available vertebrate species. In addition, the in silico prediction for this alteration is inconclusive. Based on the available evidence, the clinical significance of this variant remains unclear.